The following is an entry in ClinVar:

ClinVar aggregate classification (germline): Uncertain significance (1 of 4 stars; one submission).

Allele frequency attached by ClinVar (database versions not stated): gnomAD exomes 0.00001.

Submission:

Labcorp Genetics (formerly Invitae), Labcorp
Classification: Uncertain significance. Last evaluated: 2023-05-15. Review status: criteria provided, single submitter. Criteria: Invitae Variant Classification Sherloc (09022015). Collection method: clinical testing. Allele origin: germline.
Comment: In summary, the available evidence is currently insufficient to determine the role of this variant in disease. Therefore, it has been classified as a Variant of Uncertain Significance. An algorithm developed to predict the effect of missense changes on protein structure and function (PolyPhen-2) suggests that this variant is likely to be tolerated. This variant has not been reported in the literature in individuals affected with TOP2B-related conditions. This variant is present in population databases (rs774209671, gnomAD 0.01%). This sequence change replaces proline, which is neutral and non-polar, with leucine, which is neutral and non-polar, at codon 127 of the TOP2B protein (p.Pro127Leu).

NM_001330700.2(TOP2B):c.395C>T (p.Pro132Leu)

Gene: TOP2B (DNA topoisomerase II beta; minus strand). Cytogenetic location: 3p24.2.
Variant type: single nucleotide variant.
Coding change: c.395C>T on transcript NM_001330700.2 (MANE Select); coding-DNA position 395, C replaced by T.
Protein change: p.Pro132Leu; replaces proline 132 with leucine.
Molecular consequence: missense variant.
Genome position (GRCh38, 1-based): chr3:25,642,322, G>A on the plus strand (C>T on the coding strand, the complement: TOP2B is on the minus strand). VCF-style: chr3-25642322-G-A. GRCh37 (hg19) VCF-style: chr3-25683813-G-A.
Other names: c.380C>T, p.Pro127Leu (NM_001068.3); short protein forms P127L, P132L.
Identifiers: ClinVar variation 2905519 (VCV002905519.3), dbSNP rs774209671, ClinGen allele CA2288914.